The following is an entry in ClinVar:

ClinVar aggregate classification (germline): Conflicting classifications of pathogenicity. Review status: criteria provided, conflicting classifications (1 of 4 stars). 2 submissions from 2 submitters: Uncertain significance (1); Likely benign (1). Last evaluated 2023-12-16.

Conditions:
Inborn genetic diseases. Identifiers: MedGen C0950123, MeSH D030342.

Allele frequency attached by ClinVar (database versions not stated): ExAC 0.00002.
gnomAD v4.1: 58 of 1,610,900 alleles (0.0036%); highest among the groups gnomAD compares: Middle Eastern, 0.13%; no homozygotes.

Submissions (2):

Ambry Genetics
Classification: Uncertain significance for Inborn genetic diseases. Last evaluated: 2023-12-16. Review status: criteria provided, single submitter. Criteria: Ambry Variant Classification Scheme 2023. Collection method: clinical testing. Allele origin: germline.

GeneDx
Classification: Likely benign. Last evaluated: 2022-05-27. Review status: criteria provided, single submitter. Criteria: GeneDx Variant Classification Process June 2021. Collection method: clinical testing. Allele origin: germline. Affected: yes.
Comment: See Variant Classification Assertion Criteria.

NM_018117.12(WDR11):c.6G>T (p.Leu2Phe)

Gene: WDR11 (WD repeat domain 11; plus strand). Cytogenetic location: 10q26.12.
Variant type: single nucleotide variant.
Coding change: c.6G>T on transcript NM_018117.12 (MANE Select); coding-DNA position 6, G replaced by T.
Protein change: p.Leu2Phe; replaces leucine 2 with phenylalanine.
Molecular consequence: missense variant.
Genome position (GRCh38, 1-based): chr10:120,851,426, G>T. VCF-style: chr10-120851426-G-T. GRCh37 (hg19) VCF-style: chr10-122610938-G-T.
Other names: short protein forms L2F.
Identifiers: ClinVar variation 1691181 (VCV001691181.3), dbSNP rs758182867, ClinGen allele CA5719334.
Genomic context (GRCh38, chr10:120,851,426, plus strand): 5'-TGTCCGCCGCTTCCTGGTTGCGGGTCAGCGCCCAGGTCCTGGGCTGGCCGCCGGGATGTT[G>T]CCCTACACAGTGAACTTCAAGGTGTCGGCGCGCACCCTCACGGGGGCCCTCAACGCCCAC-3'
Protein context (NP_060587.8, residues 1-12): M[Leu2Phe]PYTVNFKVSA